The following is an entry in ClinVar:

NM_001101362.3(KBTBD13):c.477del (p.Ala159_Val160insTer)

Gene: KBTBD13 (kelch repeat and BTB domain containing 13; plus strand). Cytogenetic location: 15q22.31.
Variant type: Deletion.
Coding change: c.477del on transcript NM_001101362.3 (MANE Select); coding-DNA position 477, one base deleted (C; older notation c.477delC).
Protein change: p.Ala159_Val160insTer.
Molecular consequence: frameshift variant.
Genome position (GRCh38, 1-based): chr15:65,077,292, C deleted; the last of 2 consecutive C bases (chr15:65,077,291-65,077,292); deleting either gives the same sequence. VCF-style (leftmost placement, unchanged base first): chr15-65077290-GC-G. GRCh37 (hg19) VCF-style: chr15-65369628-GC-G.
Other names: c.477delC (NM_001101362.2).
Identifiers: ClinVar variation 464359 (VCV000464359.8), dbSNP rs1555407608, ClinGen allele CA658658297.

ClinVar aggregate classification (germline): Uncertain significance. Review status: criteria provided, multiple submitters, no conflicts (2 of 4 stars). 2 submissions from 2 submitters: Uncertain significance (2). Last evaluated 2024-07-22.

Conditions:
Nemaline myopathy 6 (NEM6). Also called: Nemaline myopathy 6, autosomal dominant. Identifiers: Orphanet 171439, MedGen C1836472, MONDO:0012237, OMIM 609273.

Submissions (2):

Labcorp Genetics (formerly Invitae), Labcorp
Classification: Uncertain significance for Nemaline myopathy 6. Last evaluated: 2024-07-22. Review status: criteria provided, single submitter. Criteria: Invitae Variant Classification Sherloc (09022015). Collection method: clinical testing. Allele origin: germline.
Comment: This sequence change creates a premature translational stop signal (p.Val160*) in the KBTBD13 gene. While this is not anticipated to result in nonsense mediated decay, it is expected to disrupt the last 299 amino acid(s) of the KBTBD13 protein. This variant is not present in population databases (gnomAD no frequency). This variant has not been reported in the literature in individuals affected with KBTBD13-related conditions. ClinVar contains an entry for this variant (Variation ID: 464359). In summary, the available evidence is currently insufficient to determine the role of this variant in disease. Therefore, it has been classified as a Variant of Uncertain Significance.

Neuberg Centre For Genomic Medicine, NCGM
Classification: Uncertain significance for Nemaline myopathy 6. Review status: criteria provided, single submitter. Criteria: ACMG Guidelines, 2015. Collection method: clinical testing. Allele origin: germline. Inheritance: Autosomal dominant inheritance. Affected: yes.
Comment: The frame shift c.477del p.Val160Ter variant in KBTBD13 gene has not been reported previously as a pathogenic variant nor as a benign variant, to our knowledge. The p.Val160Ter variant is novel not in any individuals in gnomAD Exomes and is novel not in any individuals in 1000 Genomes. This variant has been reported to the ClinVar database as Uncertain Significance. This variant is predicted to cause loss of normal protein function through protein truncation. As loss of function in this gene is not a well known mechanism, hence for these reasons, this variant has been classified as uncertain significance VUS.